The following is an entry in ClinVar:

ClinVar aggregate classification (germline): Uncertain significance. Review status: criteria provided, single submitter (1 of 4 stars). 2 submissions from 2 submitters: Uncertain significance (1). 1 of the submissions does not count toward it.

Conditions:
VMA21-related disorder. Also called: VMA21-related condition.
X-linked myopathy with excessive autophagy (AVM). Also called: Vacuolar myopathy; Autophagic vacuolar myopathy. Identifiers: Orphanet 25980, MedGen C1839615, MONDO:0010684, OMIM 310440.

Allele frequency attached by ClinVar (database versions not stated): ExAC 0.00060; gnomAD 0.00002; TOPMed 0.00002; gnomAD exomes 0.00013.

Submissions (2):

Neuberg Centre For Genomic Medicine, NCGM
Classification: Uncertain significance for X-linked myopathy with excessive autophagy. Review status: criteria provided, single submitter. Criteria: ACMG Guidelines, 2015. Collection method: clinical testing. Allele origin: germline. Inheritance: X-linked inheritance. Affected: yes.
Comment: The missense c.59G>A(p.Cys20Tyr) variant in VMA21 gene has not been reported previously as a pathogenic variant nor as a benign variant, to our knowledge. This variant is reported with the allele frequency 0.01% in the gnomAD and novel in 1000 genome. The amino acid Cys at position 20 is changed to a Tyr changing protein sequence and it might alter its composition and physico-chemical properties. For these reasons, this variant has been classified as Uncertain Significance.

PreventionGenetics, part of Exact Sciences
Classification: Likely benign for VMA21-related condition. Last evaluated: 2019-05-22. Review status: no assertion criteria provided. Collection method: clinical testing. Allele origin: germline. Not counted in ClinVar's aggregate classification.
Comment: This variant is classified as likely benign based on ACMG/AMP sequence variant interpretation guidelines (Richards et al. 2015 PMID: 25741868, with internal and published modifications).

NM_001363810.1(VMA21):c.59G>A (p.Cys20Tyr)

Gene: VMA21 (vacuolar ATPase assembly factor VMA21; plus strand). Cytogenetic location: Xq28.
Variant type: single nucleotide variant.
Coding change: c.59G>A on transcript NM_001363810.1; coding-DNA position 59, G replaced by A.
Protein change: p.Cys20Tyr; replaces cysteine 20 with tyrosine.
Molecular consequence: missense variant.
Genome position (GRCh38, 1-based): chrX:151,396,898, G>A. VCF-style: chrX-151396898-G-A. GRCh37 (hg19) VCF-style: chrX-150565370-G-A.
Other names: short protein forms C20Y.
Identifiers: ClinVar variation 2585382 (VCV002585382.3), dbSNP rs767188504, ClinGen allele CA10540509.